The following is an entry in ClinVar:

ClinVar aggregate classification (germline): Uncertain significance (1 of 4 stars; one submission).

Conditions:
Fibrous dysplasia of jaw (CRBM). Also called: Cherubism. Identifiers: Orphanet 184, MedGen C0008029, MONDO:0007315, OMIM 118400.

Submission:

Labcorp Genetics (formerly Invitae), Labcorp
Classification: Uncertain significance for Fibrous dysplasia of jaw. Last evaluated: 2020-03-07. Review status: criteria provided, single submitter. Criteria: Invitae Variant Classification Sherloc (09022015). Collection method: clinical testing. Allele origin: germline.
Comment: This sequence change replaces proline with leucine at codon 368 of the SH3BP2 protein (p.Pro368Leu). The proline residue is highly conserved and there is a moderate physicochemical difference between proline and leucine. This variant is not present in population databases (ExAC no frequency). This variant has not been reported in the literature in individuals with SH3BP2-related conditions. Algorithms developed to predict the effect of missense changes on protein structure and function output the following: SIFT: "Deleterious"; PolyPhen-2: "Benign"; Align-GVGD: "Class C0". The leucine amino acid residue is found in multiple mammalian species, suggesting that this missense change does not adversely affect protein function. These predictions have not been confirmed by published functional studies and their clinical significance is uncertain. In summary, the available evidence is currently insufficient to determine the role of this variant in disease. Therefore, it has been classified as a Variant of Uncertain Significance.

NM_001122681.2(SH3BP2):c.1103C>T (p.Pro368Leu)

Gene: SH3BP2 (SH3 domain binding protein 2; plus strand). Cytogenetic location: 4p16.3.
Variant type: single nucleotide variant.
Coding change: c.1103C>T on transcript NM_001122681.2 (MANE Select); coding-DNA position 1103, C replaced by T.
Protein change: p.Pro368Leu; replaces proline 368 with leucine.
Molecular consequence: missense variant.
Genome position (GRCh38, 1-based): chr4:2,830,009, C>T. VCF-style: chr4-2830009-C-T. GRCh37 (hg19) VCF-style: chr4-2831736-C-T.
Other names: c.1187C>T, p.Pro396Leu (NM_001145855.2); c.1274C>T, p.Pro425Leu (NM_001145856.2); c.1103C>T, p.Pro368Leu (NM_003023.4); short protein forms P368L, P396L, P425L.
Identifiers: ClinVar variation 1059735 (VCV001059735.10), dbSNP rs781072584, ClinGen allele CA356057143.